The following is an entry in ClinVar:

ClinVar aggregate classification (germline): Uncertain significance (1 of 4 stars; one submission).

Allele frequency attached by ClinVar (database versions not stated): gnomAD 0.00001; TOPMed 0.00001; gnomAD exomes 0.00001.

Submission:

Labcorp Genetics (formerly Invitae), Labcorp
Classification: Uncertain significance. Last evaluated: 2022-06-14. Review status: criteria provided, single submitter. Criteria: Invitae Variant Classification Sherloc (09022015). Collection method: clinical testing. Allele origin: germline.
Comment: In summary, the available evidence is currently insufficient to determine the role of this variant in disease. Therefore, it has been classified as a Variant of Uncertain Significance. Algorithms developed to predict the effect of missense changes on protein structure and function (SIFT, PolyPhen-2, Align-GVGD) all suggest that this variant is likely to be tolerated. This variant has not been reported in the literature in individuals affected with RTN4IP1-related conditions. This variant is not present in population databases (gnomAD no frequency). This sequence change replaces methionine, which is neutral and non-polar, with valine, which is neutral and non-polar, at codon 101 of the RTN4IP1 protein (p.Met101Val).

NM_032730.5(RTN4IP1):c.301A>G (p.Met101Val)

Gene: RTN4IP1 (reticulon 4 interacting protein 1; minus strand). Cytogenetic location: 6q21.
Variant type: single nucleotide variant.
Coding change: c.301A>G on transcript NM_032730.5 (MANE Select); coding-DNA position 301, A replaced by G.
Protein change: p.Met101Val; replaces methionine 101 with valine.
Molecular consequence: missense variant. On other transcripts: initiator codon variant (1).
Genome position (GRCh38, 1-based): chr6:106,622,943, T>C on the plus strand (A>G on the coding strand, the complement: RTN4IP1 is on the minus strand). VCF-style: chr6-106622943-T-C. GRCh37 (hg19) VCF-style: chr6-107070818-T-C.
Other names: c.1A>G, p.Met1Val (NM_001318746.1); short protein forms M101V, M1V.
Identifiers: ClinVar variation 2047155 (VCV002047155.5), dbSNP rs971812120, ClinGen allele CA144996735.
Genomic context (GRCh38, chr6:106,622,943, plus strand): 5'-GACCCAGAGTCAGAGGAAATTCTTCTCCTTTGATTTTCACGTGTAAAGGATCACGCTTCA[T>C]ATTTAAAGCTGTAGCTCCATAACCACCTGTAAAATACAATTTATCTGTTTCCTCCAAATG-3'
Protein context (NP_116119.2, residues 91-111): RSGYGATALN[Met101Val]KRDPLHVKIK